The following is an entry in ClinVar:

ClinVar aggregate classification (germline): Uncertain significance (1 of 4 stars; one submission).

Allele frequency attached by ClinVar (database versions not stated): gnomAD exomes below 0.00001.
gnomAD v4.1: 1 of 1,608,264 alleles (0.000062%); highest among the groups gnomAD compares: Non-Finnish European, 0.000085%; no homozygotes.

Submission:

Labcorp Genetics (formerly Invitae), Labcorp
Classification: Uncertain significance. Last evaluated: 2023-08-17. Review status: criteria provided, single submitter. Criteria: Invitae Variant Classification Sherloc (09022015). Collection method: clinical testing. Allele origin: germline.
Comment: ClinVar contains an entry for this variant (Variation ID: 2120513). This variant has not been reported in the literature in individuals affected with CACNA1B-related conditions. This variant is not present in population databases (gnomAD no frequency). This sequence change replaces serine, which is neutral and polar, with phenylalanine, which is neutral and non-polar, at codon 446 of the CACNA1B protein (p.Ser446Phe). Advanced modeling of protein sequence and biophysical properties (such as structural, functional, and spatial information, amino acid conservation, physicochemical variation, residue mobility, and thermodynamic stability) performed at Invitae indicates that this missense variant is not expected to disrupt CACNA1B protein function. In summary, the available evidence is currently insufficient to determine the role of this variant in disease. Therefore, it has been classified as a Variant of Uncertain Significance.

NM_000718.4(CACNA1B):c.1337C>T (p.Ser446Phe)

Gene: CACNA1B (calcium voltage-gated channel subunit alpha1 B; plus strand). Cytogenetic location: 9q34.3.
Variant type: single nucleotide variant.
Coding change: c.1337C>T on transcript NM_000718.4 (MANE Select); coding-DNA position 1337, C replaced by T.
Protein change: p.Ser446Phe; replaces serine 446 with phenylalanine.
Molecular consequence: missense variant.
Genome position (GRCh38, 1-based): chr9:137,971,386, C>T. VCF-style: chr9-137971386-C-T. GRCh37 (hg19) VCF-style: chr9-140865838-C-T.
Other names: c.1337C>T, p.Ser446Phe (NM_001243812.2); short protein forms S446F.
Identifiers: ClinVar variation 2120513 (VCV002120513.4), dbSNP rs2539262059, ClinGen allele CA375805663.